The following is an entry in ClinVar:

NM_001042681.2(RERE):c.3471C>T (p.Ser1157=)

Gene: RERE (arginine-glutamic acid dipeptide repeats; minus strand). Cytogenetic location: 1p36.23.
Variant type: single nucleotide variant.
Coding change: c.3471C>T on transcript NM_001042681.2 (MANE Select); coding-DNA position 3471, C replaced by T.
Protein change: p.Ser1157=; no amino-acid change (serine 1157 retained).
Molecular consequence: synonymous variant.
Genome position (GRCh38, 1-based): chr1:8,359,911, G>A on the plus strand (C>T on the coding strand, the complement: RERE is on the minus strand). VCF-style: chr1-8359911-G-A. GRCh37 (hg19) VCF-style: chr1-8419971-G-A.
Other names: c.1809C>T, p.Ser603= (NM_001042682.2); c.3471C>T, p.Ser1157= (NM_012102.4).
Identifiers: ClinVar variation 3057653 (VCV003057653.2), dbSNP rs1322935608, ClinGen allele CA415844956.

ClinVar aggregate classification (germline): Likely benign (0 of 4 stars; one submission).

Conditions:
RERE-related disorder. Also called: RERE-Related Disorders; RERE-related condition. Identifiers: MedGen CN381537.

Allele frequency attached by ClinVar (database versions not stated): gnomAD 0.00001; TOPMed 0.00001; gnomAD exomes 0.00002.
gnomAD v4.1: 29 of 1,613,222 alleles (0.0018%); highest among the groups gnomAD compares: Non-Finnish European, 0.0023%; no homozygotes.

Submission:

PreventionGenetics, part of Exact Sciences
Classification: Likely benign for RERE-related condition. Last evaluated: 2019-03-18. Review status: no assertion criteria provided. Collection method: clinical testing. Allele origin: germline.
Comment: This variant is classified as likely benign based on ACMG/AMP sequence variant interpretation guidelines (Richards et al. 2015 PMID: 25741868, with internal and published modifications).